The following is an entry in ClinVar:

NM_000465.4(BARD1):c.780dup (p.Leu261fs)

Gene: BARD1 (BRCA1 associated RING domain 1; minus strand). Cytogenetic location: 2q35.
Variant type: Duplication.
Coding change: c.780dup on transcript NM_000465.4 (MANE Select); coding-DNA position 780, one base duplicated (A; older notation c.780dupA).
Protein change: p.Leu261fs; shifts the reading frame from leucine 261.
Molecular consequence: frameshift variant. On other transcripts: non-coding transcript variant (2), intron variant (3).
Genome position (GRCh38, 1-based): chr2:214,781,094, T duplicated on the plus strand (A on the coding strand, the reverse complement: BARD1 is on the minus strand). VCF-style (leftmost placement, unchanged base first): chr2-214781093-G-GT. GRCh37 (hg19) VCF-style: chr2-215645817-G-GT.
Other names: c.723dup, p.Leu242fs (NM_001282543.2); c.158+28318dup (NM_001282548.2); c.215+15967dup (NM_001282545.2); c.364+11203dup (NM_001282549.2); short protein forms L261fs, L242fs.
Identifiers: ClinVar variation 1453344 (VCV001453344.7), dbSNP rs2106110487, ClinGen allele CA2573135157.
Genomic context (GRCh38, chr2:214,781,093, plus strand): 5'-GTAAAGAGACTTCAGTTAAACTTCCAAAACATTCAGATTCTGTCAAGGAGCCACTTGCTA[G>GT]TAAGTCTATTTCACCATTTATCTGAGGACTGGAGATAACAGATGGTTGGCTACAGAAGGA-3'

ClinVar aggregate classification (germline): Pathogenic (1 of 4 stars; one submission).

Conditions:
Familial cancer of breast. Also called: Hereditary breast cancer; hereditary breast carcinoma; BREAST CANCER, FAMILIAL. Identifiers: Orphanet 227535, MedGen C0346153, MONDO:0016419, OMIM 114480. Disease mechanism: loss of function.

Submission:

Labcorp Genetics (formerly Invitae), Labcorp
Classification: Pathogenic for Familial cancer of breast. Last evaluated: 2023-02-18. Review status: criteria provided, single submitter. Criteria: Invitae Variant Classification Sherloc (09022015). Collection method: clinical testing. Allele origin: germline.
Comment: This variant has not been reported in the literature in individuals affected with BARD1-related conditions. For these reasons, this variant has been classified as Pathogenic. ClinVar contains an entry for this variant (Variation ID: 1453344). This variant is not present in population databases (gnomAD no frequency). This sequence change creates a premature translational stop signal (p.Leu261Thrfs*10) in the BARD1 gene. It is expected to result in an absent or disrupted protein product. Loss-of-function variants in BARD1 are known to be pathogenic (PMID: 20077502, 21344236).

Literature cited by the submitters: PubMed 20077502; PubMed 21344236.